The following is an entry in ClinVar:

NM_001371986.1(UNC80):c.591C>G (p.His197Gln)

Gene: UNC80 (unc-80 subunit of NALCN channel complex; plus strand). Cytogenetic location: 2q34.
Variant type: single nucleotide variant.
Coding change: c.591C>G on transcript NM_001371986.1 (MANE Select); coding-DNA position 591, C replaced by G.
Protein change: p.His197Gln; replaces histidine 197 with glutamine.
Molecular consequence: missense variant.
Genome position (GRCh38, 1-based): chr2:209,777,550, C>G. VCF-style: chr2-209777550-C-G. GRCh37 (hg19) VCF-style: chr2-210642274-C-G.
Other names: c.591C>G, p.His197Gln (NM_032504.2, NM_182587.4); short protein forms H197Q.
Identifiers: ClinVar variation 1999273 (VCV001999273.4), dbSNP rs2076933784, ClinGen allele CA350131540.

ClinVar aggregate classification (germline): Uncertain significance (1 of 4 stars; one submission).

Allele frequency attached by ClinVar (database versions not stated): gnomAD exomes below 0.00001; TOPMed below 0.00001.
gnomAD v4.1: 2 of 1,608,480 alleles (0.00012%); highest among the groups gnomAD compares: Non-Finnish European, 0.000085%; no homozygotes.

Submission:

Labcorp Genetics (formerly Invitae), Labcorp
Classification: Uncertain significance. Last evaluated: 2023-10-13. Review status: criteria provided, single submitter. Criteria: Invitae Variant Classification Sherloc (09022015). Collection method: clinical testing. Allele origin: germline.
Comment: This sequence change replaces histidine, which is basic and polar, with glutamine, which is neutral and polar, at codon 197 of the UNC80 protein (p.His197Gln). This variant is not present in population databases (gnomAD no frequency). This variant has not been reported in the literature in individuals affected with UNC80-related conditions. ClinVar contains an entry for this variant (Variation ID: 1999273). An algorithm developed to predict the effect of missense changes on protein structure and function (PolyPhen-2) suggests that this variant is likely to be disruptive. In summary, the available evidence is currently insufficient to determine the role of this variant in disease. Therefore, it has been classified as a Variant of Uncertain Significance.